The following is an entry in ClinVar:

NM_001164508.2(NEB):c.6184-1G>A

Gene: NEB (nebulin; minus strand). Cytogenetic location: 2q23.3.
Variant type: single nucleotide variant.
Coding change: c.6184-1G>A on transcript NM_001164508.2 (MANE Select); the canonical splice acceptor site of the intron before coding-DNA position 6184, G replaced by A.
Molecular consequence: splice acceptor variant.
Genome position (GRCh38, 1-based): chr2:151,656,465, C>T on the plus strand (G>A on the coding strand, the complement: NEB is on the minus strand). VCF-style: chr2-151656465-C-T. GRCh37 (hg19) VCF-style: chr2-152512979-C-T.
Other names: c.6184-1G>A (NM_004543.5, NM_001164507.2, NM_001271208.2).
Identifiers: ClinVar variation 1471221 (VCV001471221.8), dbSNP rs2154149413, ClinGen allele CA348800617.

ClinVar aggregate classification (germline): Likely pathogenic (1 of 4 stars; one submission).

Conditions:
Nemaline myopathy 2 (NEM2). Also called: Nemaline myopathy 2, autosomal recessive. Identifiers: MedGen C1850569, MONDO:0009725, OMIM 256030.

Submission:

Labcorp Genetics (formerly Invitae), Labcorp
Classification: Likely pathogenic for Nemaline myopathy 2. Last evaluated: 2021-06-26. Review status: criteria provided, single submitter. Criteria: Invitae Variant Classification Sherloc (09022015). Collection method: clinical testing. Allele origin: germline.
Comment: In summary, the currently available evidence indicates that the variant is pathogenic, but additional data are needed to prove that conclusively. Therefore, this variant has been classified as Likely Pathogenic. Algorithms developed to predict the effect of sequence changes on RNA splicing suggest that this variant may disrupt the consensus splice site, but this prediction has not been confirmed by published transcriptional studies. This variant has not been reported in the literature in individuals with NEB-related conditions. This variant is not present in population databases (ExAC no frequency). This sequence change affects an acceptor splice site in intron 48 of the NEB gene. It is expected to disrupt RNA splicing. Variants that disrupt the donor or acceptor splice site typically lead to a loss of protein function (PMID: 16199547), and loss-of-function variants in NEB are known to be pathogenic (PMID: 25205138).

Literature cited by the submitters: PubMed 16199547; PubMed 25205138.